The following is an entry in ClinVar:

NM_001844.5(COL2A1):c.2740C>A (p.Pro914Thr)

Gene: COL2A1 (collagen type II alpha 1 chain; minus strand). Cytogenetic location: 12q13.11.
Variant type: single nucleotide variant.
Coding change: c.2740C>A on transcript NM_001844.5 (MANE Select); coding-DNA position 2740, C replaced by A.
Protein change: p.Pro914Thr; replaces proline 914 with threonine.
Molecular consequence: missense variant.
Genome position (GRCh38, 1-based): chr12:47,978,752, G>T on the plus strand (C>A on the coding strand, the complement: COL2A1 is on the minus strand). VCF-style: chr12-47978752-G-T. GRCh37 (hg19) VCF-style: chr12-48372535-G-T.
Other names: c.2533C>A, p.Pro845Thr (NM_033150.3); short protein forms P845T, P914T.
Identifiers: ClinVar variation 4804439 (VCV004804439.1).

ClinVar aggregate classification (germline): Uncertain significance (1 of 4 stars; one submission).

Submission:

Labcorp Genetics (formerly Invitae), Labcorp
Classification: Uncertain significance. Last evaluated: 2025-12-30. Review status: criteria provided, single submitter. Criteria: Invitae Variant Classification Sherloc (09022015). Collection method: clinical testing. Allele origin: germline.
Comment: This sequence change replaces proline, which is neutral and non-polar, with threonine, which is neutral and polar, at codon 914 of the COL2A1 protein (p.Pro914Thr). This variant is not present in population databases (gnomAD no frequency). This variant has not been reported in the literature in individuals affected with COL2A1-related conditions. Invitae Evidence Modeling of protein sequence and biophysical properties (such as structural, functional, and spatial information, amino acid conservation, physicochemical variation, residue mobility, and thermodynamic stability) indicates that this missense variant is not expected to disrupt COL2A1 protein function with a negative predictive value of 95%. In summary, the available evidence is currently insufficient to determine the role of this variant in disease. Therefore, it has been classified as a Variant of Uncertain Significance.